The following is an entry in ClinVar:

ClinVar aggregate classification (germline): Uncertain significance (1 of 4 stars; one submission).

gnomAD v4.1: 4 of 1,612,038 alleles (0.00025%); highest among the groups gnomAD compares: African/African-American, 0.0053%; no homozygotes.

Submission:

Labcorp Genetics (formerly Invitae), Labcorp
Classification: Uncertain significance. Last evaluated: 2025-10-09. Review status: criteria provided, single submitter. Criteria: Invitae Variant Classification Sherloc (09022015). Collection method: clinical testing. Allele origin: germline.
Comment: This sequence change replaces leucine, which is neutral and non-polar, with phenylalanine, which is neutral and non-polar, at codon 664 of the KIDINS220 protein (p.Leu664Phe). This variant is present in population databases (no rsID available, gnomAD 0.01%). This variant has not been reported in the literature in individuals affected with KIDINS220-related conditions. An algorithm developed to predict the effect of missense changes on protein structure and function (PolyPhen-2) suggests that this variant is likely to be tolerated. In summary, the available evidence is currently insufficient to determine the role of this variant in disease. Therefore, it has been classified as a Variant of Uncertain Significance.

NM_020738.4(KIDINS220):c.1990C>T (p.Leu664Phe)

Gene: KIDINS220 (kinase D interacting substrate 220; minus strand). Cytogenetic location: 2p25.1.
Variant type: single nucleotide variant.
Coding change: c.1990C>T on transcript NM_020738.4 (MANE Select); coding-DNA position 1990, C replaced by T.
Protein change: p.Leu664Phe; replaces leucine 664 with phenylalanine.
Molecular consequence: missense variant. On other transcripts: non-coding transcript variant (2).
Genome position (GRCh38, 1-based): chr2:8,785,980, G>A on the plus strand (C>T on the coding strand, the complement: KIDINS220 is on the minus strand). VCF-style: chr2-8785980-G-A. GRCh37 (hg19) VCF-style: chr2-8926110-G-A.
Other names: c.1993C>T, p.Leu665Phe (NM_001348729.2, NM_001348731.2, NM_001348734.2 and 3 more transcripts); c.1990C>T, p.Leu664Phe (NM_001348732.2, NM_001348735.2, NM_001348738.2 and 3 more transcripts); c.1864C>T, p.Leu622Phe (NM_001348736.2); short protein forms L622F, L664F, L665F.
Identifiers: ClinVar variation 4702260 (VCV004702260.1).
Genomic context (GRCh38, chr2:8,785,980, plus strand): 5'-GGTCAACTCTAAATATAGCCAGAAGAGTAATTCCAGATATAATGCAGCCAATGATAAAAA[G>A]GAAGATGACAAAAGATGGGAGACAACATGTTTTTTTCCATTTCTTTTTACCTGTAATGCA-3'
Protein context (NP_065789.1, residues 654-674): TCCLPSFVIF[Leu664Phe]FIIGCIISGI